The following is an entry in ClinVar:

NM_001142864.4(PIEZO1):c.4388AGCAGG[2] (p.1465EQ[1])

Gene: PIEZO1 (piezo type mechanosensitive ion channel component 1 (Er blood group); minus strand). Cytogenetic location: 16q24.3.
Variant type: Microsatellite.
Coding change: c.4388AGCAGG[2] on transcript NM_001142864.4 (MANE Select); two copies in a row of the 6-base unit AGCAGG starting at c.4388; the reference has three copies in a row; one copy, 6 bases deleted; also written c.4400_4405del.
Protein change: p.1465EQ[1].
Molecular consequence: inframe deletion.
Genome position (GRCh38, 1-based): chr16:88,723,259-88,723,264, CCTGCT deleted on the plus strand (AGCAGG on the coding strand, the reverse complement: PIEZO1 is on the minus strand); deleting any 6 consecutive bases within chr16:88,723,259-88,723,276 gives the same sequence; the position shown is the placement nearest the transcript's 3' end. VCF-style (leftmost placement, unchanged base first): chr16-88723258-GCCTGCT-G. GRCh37 (hg19) VCF-style: chr16-88789666-GCCTGCT-G.
Other names: c.4400_4405del6 (NM_001142864.3); c.4400_4405del (NM_001142864.4).
Identifiers: ClinVar variation 1350725 (VCV001350725.12), dbSNP rs11281795, ClinGen allele CA8232157.

ClinVar aggregate classification (germline): Uncertain significance. Review status: criteria provided, multiple submitters, no conflicts (2 of 4 stars). 6 submissions from 6 submitters: Uncertain significance (5). 1 of the submissions does not count toward it. Last evaluated 2026-01-09.

Conditions:
PIEZO1-related disorder. Also called: PIEZO1-related condition; PIEZO1-Related Disorders.
Dehydrated hereditary stomatocytosis with or without pseudohyperkalemia and/or perinatal edema (DHS1). Also called: PSEUDOHYPERKALEMIA EDINBURGH; DEHYDRATED HEREDITARY STOMATOCYTOSIS AND PSEUDOHYPERKALEMIA; DEHYDRATED HEREDITARY STOMATOCYTOSIS WITH PSEUDOHYPERKALEMIA AND PERINATAL EDEMA; Pseudohyperkalemia, familial, 1, due to red cell leak; Dehydrated hereditary stomatocytosis 1 with or without pseudohyperkalemia and/or perinatal edema. Identifiers: Orphanet 3202, MedGen C4551512, MONDO:0008689, OMIM 194380.
Lymphatic malformation 6 (LMPHM6). Also called: PIEZO1-related generalized lymphatic dysplasia with non-immune hydrops fetalis; GENERALIZED LYMPHATIC DYSPLASIA OF FOTIOU; Lymphedema, hereditary, III. Identifiers: Orphanet 568062, MedGen C4225184, MONDO:0014797, OMIM 616843.

Submissions (6):

Labcorp Genetics (formerly Invitae), Labcorp
Classification: Uncertain significance. Last evaluated: 2026-01-09. Review status: criteria provided, single submitter. Criteria: Invitae Variant Classification Sherloc (09022015). Collection method: clinical testing. Allele origin: germline.
Comment: This variant, c.4400_4405del, results in the deletion of 2 amino acid(s) of the PIEZO1 protein (p.Glu1467_Gln1468del), but otherwise preserves the integrity of the reading frame. This variant is present in population databases (rs773148427, gnomAD 0.07%). This variant has not been reported in the literature in individuals affected with PIEZO1-related conditions. Experimental studies and prediction algorithms are not available or were not evaluated, and the functional significance of this variant is currently unknown. In summary, the available evidence is currently insufficient to determine the role of this variant in disease. Therefore, it has been classified as a Variant of Uncertain Significance.

Genomic Medicine Center of Excellence, King Faisal Specialist Hospital and Research Centre
Classification: Uncertain significance for Dehydrated hereditary stomatocytosis with or without pseudohyperkalemia and/or perinatal edema. Last evaluated: 2024-12-19. Review status: criteria provided, single submitter. Criteria: ACMG Guidelines, 2015. Collection method: clinical testing. Allele origin: germline.

Revvity Omics, Revvity
Classification: Uncertain significance. Last evaluated: 2023-03-09. Review status: criteria provided, single submitter. Criteria: ACMG Guidelines, 2015. Collection method: clinical testing. Allele origin: germline.

Fulgent Genetics
Classification: Uncertain significance for Dehydrated hereditary stomatocytosis with or without pseudohyperkalemia and/or perinatal edema; Lymphatic malformation 6. Last evaluated: 2022-04-27. Review status: criteria provided, single submitter. Criteria: ACMG Guidelines, 2015. Collection method: clinical testing. Allele origin: unknown.

GeneDx
Classification: Uncertain significance. Last evaluated: 2022-01-11. Review status: criteria provided, single submitter. Criteria: GeneDx Variant Classification Process June 2021. Collection method: clinical testing. Allele origin: germline. Affected: yes.
Comment: In-frame deletion of 2 amino acids in a repetitive region with no known function; In silico analysis supports a deleterious effect on protein structure/function; Has not been previously published as pathogenic or benign to our knowledge

PreventionGenetics, part of Exact Sciences
Classification: Uncertain significance for PIEZO1-related condition. Last evaluated: 2024-09-12. Review status: no assertion criteria provided. Collection method: clinical testing. Allele origin: germline. Not counted in ClinVar's aggregate classification.
Comment: The PIEZO1 c.4400_4405del6 variant is predicted to result in an in-frame deletion (p.Glu1467_Gln1468del). To our knowledge, this variant has not been reported in the literature. This variant is reported in 0.067% of alleles in individuals of Latino descent in gnomAD. Although we suspect that this variant may be benign, at this time, the clinical significance of this variant is uncertain due to the absence of conclusive functional and genetic evidence.